The following is an entry in ClinVar:

ClinVar aggregate classification (germline): Uncertain significance. Review status: criteria provided, multiple submitters, no conflicts (2 of 4 stars). 2 submissions from 2 submitters: Uncertain significance (2). Last evaluated 2025-12-09.

Conditions:
Hereditary cancer-predisposing syndrome. Also called: Neoplastic Syndromes, Hereditary; Tumor predisposition; Hereditary neoplastic syndrome; Hereditary Cancer Syndrome. Identifiers: Orphanet 140162, MedGen C0027672, MeSH D009386, MONDO:0015356.
Juvenile polyposis syndrome (JPS). Identifiers: Orphanet 2929, MedGen C0345893, MONDO:0017380, OMIM 174900.

Allele frequency attached by ClinVar (database versions not stated): TOPMed below 0.00001.

Submissions (2):

Labcorp Genetics (formerly Invitae), Labcorp
Classification: Uncertain significance for Juvenile polyposis syndrome. Last evaluated: 2025-12-09. Review status: criteria provided, single submitter. Criteria: Invitae Variant Classification Sherloc (09022015). Collection method: clinical testing. Allele origin: germline.
Comment: This sequence change replaces serine, which is neutral and polar, with threonine, which is neutral and polar, at codon 220 of the BMPR1A protein (p.Ser220Thr). This variant is not present in population databases (gnomAD no frequency). This variant has not been reported in the literature in individuals affected with BMPR1A-related conditions. ClinVar contains an entry for this variant (Variation ID: 2894650). Invitae Evidence Modeling of protein sequence and biophysical properties (such as structural, functional, and spatial information, amino acid conservation, physicochemical variation, residue mobility, and thermodynamic stability) has been performed for this missense variant. However, the output from this modeling did not meet the statistical confidence thresholds required to predict the impact of this variant on BMPR1A protein function. In summary, the available evidence is currently insufficient to determine the role of this variant in disease. Therefore, it has been classified as a Variant of Uncertain Significance.

Ambry Genetics
Classification: Uncertain significance for Hereditary cancer-predisposing syndrome. Last evaluated: 2023-11-22. Review status: criteria provided, single submitter. Criteria: Ambry Variant Classification Scheme 2023. Collection method: clinical testing. Allele origin: germline.
Comment: The p.S220T variant (also known as c.658T>A), located in coding exon 6 of the BMPR1A gene, results from a T to A substitution at nucleotide position 658. The serine at codon 220 is replaced by threonine, an amino acid with similar properties. This amino acid position is conserved. In addition, the in silico prediction for this alteration is inconclusive. Since supporting evidence is limited at this time, the clinical significance of this alteration remains unclear.

NM_004329.3(BMPR1A):c.658T>A (p.Ser220Thr)

Gene: BMPR1A (bone morphogenetic protein receptor type 1A; plus strand). Cytogenetic location: 10q23.2.
Variant type: single nucleotide variant.
Coding change: c.658T>A on transcript NM_004329.3 (MANE Select); coding-DNA position 658, T replaced by A.
Protein change: p.Ser220Thr; replaces serine 220 with threonine.
Molecular consequence: missense variant. On other transcripts: non-coding transcript variant (3), intron variant (1).
Genome position (GRCh38, 1-based): chr10:86,912,367, T>A. VCF-style: chr10-86912367-T-A. GRCh37 (hg19) VCF-style: chr10-88672124-T-A.
Other names: c.733T>A, p.Ser245Thr (NM_001406559.1); c.706T>A, p.Ser236Thr (NM_001406560.1); c.658T>A, p.Ser220Thr (NM_001406561.1, NM_001406562.1, NM_001406563.1 and 20 more transcripts); c.574T>A, p.Ser192Thr (NM_001406584.1, NM_001406585.1, NM_001406586.1 and 2 more transcripts); c.334-4767T>A (NM_001406589.1); short protein forms S220T, S236T, S192T, S245T.
Identifiers: ClinVar variation 2894650 (VCV002894650.4), dbSNP rs1589288649, ClinGen allele CA377455121.